The following is an entry in ClinVar:

NM_005428.4(VAV1):c.2077T>C (p.Phe693Leu)

Gene: VAV1 (vav guanine nucleotide exchange factor 1; plus strand). Cytogenetic location: 19p13.3.
Variant type: single nucleotide variant.
Coding change: c.2077T>C on transcript NM_005428.4 (MANE Select); coding-DNA position 2077, T replaced by C.
Protein change: p.Phe693Leu; replaces phenylalanine 693 with leucine.
Molecular consequence: missense variant.
Genome position (GRCh38, 1-based): chr19:6,848,062, T>C. VCF-style: chr19-6848062-T-C. GRCh37 (hg19) VCF-style: chr19-6848073-T-C.
Other names: c.2011T>C, p.Phe671Leu (NM_001258206.2); c.1981T>C, p.Phe661Leu (NM_001258207.2); short protein forms F693L, F661L, F671L.
Identifiers: ClinVar variation 3648932 (VCV003648932.2).
Genomic context (GRCh38, chr19:6,848,062, plus strand): 5'-GCAGGCCCCATGGAGCGGGCAGGGGCAGAGAGCATCCTGGCCAACCGCTCGGACGGGACT[T>C]TCTTGGTGCGGCAGAGGGTGAAGGATGCAGCAGAATTTGCCATCAGCATTAAGTAACTCC-3'
Protein context (NP_005419.2, residues 683-703): SILANRSDGT[Phe693Leu]LVRQRVKDAA

ClinVar aggregate classification (germline): Uncertain significance (1 of 4 stars; one submission).

Submission:

Labcorp Genetics (formerly Invitae), Labcorp
Classification: Uncertain significance. Last evaluated: 2024-04-05. Review status: criteria provided, single submitter. Criteria: Invitae Variant Classification Sherloc (09022015). Collection method: clinical testing. Allele origin: germline.
Comment: This sequence change replaces phenylalanine, which is neutral and non-polar, with leucine, which is neutral and non-polar, at codon 693 of the VAV1 protein (p.Phe693Leu). This variant is not present in population databases (gnomAD no frequency). This variant has not been reported in the literature in individuals affected with VAV1-related conditions. An algorithm developed to predict the effect of missense changes on protein structure and function (PolyPhen-2) suggests that this variant is likely to be disruptive. In summary, the available evidence is currently insufficient to determine the role of this variant in disease. Therefore, it has been classified as a Variant of Uncertain Significance.